The following is an entry in ClinVar:

ClinVar aggregate classification (germline): Benign/Likely benign. Review status: criteria provided, multiple submitters, no conflicts (2 of 4 stars). 6 submissions from 6 submitters: Benign (4); Likely benign (1). 1 of the submissions does not count toward it. Last evaluated 2026-02-04.

Conditions:
Xeroderma pigmentosum, group G (XPG). Also called: ERCC5-Related Xeroderma Pigmentosum; XERODERMA PIGMENTOSUM VII; XP, GROUP G; Xeroderma pigmentosum type 7. Identifiers: MedGen C0268141, MONDO:0010216, OMIM 278780.
ERCC5-related disorder. Also called: ERCC5-related condition.

Allele frequency attached by ClinVar (database versions not stated): ESP Exome Variant Server 0.00008; gnomAD 0.00243 and 0.00345; TOPMed 0.00349; ExAC 0.00584; gnomAD exomes 0.00647; 1000 Genomes Project 30x 0.01718; 1000 Genomes Project 0.01997.
gnomAD v4.1: 4,008 of 1,614,172 alleles (0.25%); highest among the groups gnomAD compares: East Asian, 7.3%; 159 homozygotes.

Submissions (6):

Labcorp Genetics (formerly Invitae), Labcorp
Classification: Benign. Last evaluated: 2026-02-04. Review status: criteria provided, single submitter. Criteria: Invitae Variant Classification Sherloc (09022015). Collection method: clinical testing. Allele origin: germline.

KCCC/NGS Laboratory, Kuwait Cancer Control Center
Classification: Benign for Xeroderma pigmentosum, group G. Last evaluated: 2025-02-01. Review status: criteria provided, single submitter. Criteria: ACMG Guidelines, 2015. Collection method: clinical testing. Allele origin: germline. Affected: no.

Blueprint Genetics
Classification: Likely benign. Last evaluated: 2024-11-27. Review status: criteria provided, single submitter. Criteria: ACMG Guidelines, 2015. Collection method: clinical testing. Allele origin: germline.

GeneDx
Classification: Benign. Last evaluated: 2019-06-21. Review status: criteria provided, single submitter. Criteria: GeneDx Variant Classification Process June 2021. Collection method: clinical testing. Allele origin: germline. Affected: yes.

Illumina Laboratory Services, Illumina
Classification: Benign for Xeroderma pigmentosum, group G. Last evaluated: 2018-01-12. Review status: criteria provided, single submitter. Criteria: ICSL Variant Classification Criteria 13 December 2019. Collection method: clinical testing. Allele origin: germline.
Comment: This variant was observed in the ICSL laboratory as part of a predisposition screen in an ostensibly healthy population. It had not been previously curated by ICSL or reported in the Human Gene Mutation Database (HGMD: prior to June 1st, 2018), and was therefore a candidate for classification through an automated scoring system. Utilizing variant allele frequency, disease prevalence and penetrance estimates, and inheritance mode, an automated score was calculated to assess if this variant is too frequent to cause the disease. Based on the score and internal cut-off values, a variant classified as benign is not then subjected to further curation. The score for this variant resulted in a classification of benign for this disease.

PreventionGenetics, part of Exact Sciences
Classification: Benign for ERCC5-related condition. Last evaluated: 2019-02-26. Review status: no assertion criteria provided. Collection method: clinical testing. Allele origin: germline. Not counted in ClinVar's aggregate classification.
Comment: This variant is classified as benign based on ACMG/AMP sequence variant interpretation guidelines (Richards et al. 2015 PMID: 25741868, with internal and published modifications).

NM_000123.4(ERCC5):c.2100C>A (p.Leu700=)

Genes: BIVM-ERCC5 (BIVM-ERCC5 readthrough; plus strand), ERCC5 (ERCC excision repair 5, endonuclease; plus strand), LOC126861834 (BRD4-independent group 4 enhancer GRCh37_chr13:103518038-103519237; plus strand). Cytogenetic location: 13q33.1.
Variant type: single nucleotide variant.
Coding change: c.2100C>A on transcript NM_000123.4 (MANE Select); coding-DNA position 2100, C replaced by A.
Protein change: p.Leu700=; no amino-acid change (leucine 700 retained).
Molecular consequence: synonymous variant.
Genome position (GRCh38, 1-based): chr13:102,865,812, C>A. VCF-style: chr13-102865812-C-A. GRCh37 (hg19) VCF-style: chr13-103518162-C-A.
Other names: c.3462C>A, p.Leu1154= (NM_001204425.2); c.3462C>A (NM_001204425.1).
Identifiers: ClinVar variation 310927 (VCV000310927.19), dbSNP rs2228959, ClinGen allele CA7041524.